The following is an entry in ClinVar:

NM_000593.6(TAP1):c.952G>T (p.Gly318Trp)

Gene: TAP1 (transporter 1, ATP binding cassette subfamily B member; minus strand). Cytogenetic location: 6p21.32.
Variant type: single nucleotide variant.
Coding change: c.952G>T on transcript NM_000593.6 (MANE Select); coding-DNA position 952, G replaced by T.
Protein change: p.Gly318Trp; replaces glycine 318 with tryptophan.
Molecular consequence: missense variant.
Genome position (GRCh38, 1-based): chr6:32,851,042, C>A on the plus strand (G>T on the coding strand, the complement: TAP1 is on the minus strand). VCF-style: chr6-32851042-C-A. GRCh37 (hg19) VCF-style: chr6-32818819-C-A.
Other names: c.349G>T, p.Gly117Trp (NM_001292022.2); short protein forms G117W, G318W.
Identifiers: ClinVar variation 1484970 (VCV001484970.8), dbSNP rs781031767, ClinGen allele CA363593046.

ClinVar aggregate classification (germline): Uncertain significance (1 of 4 stars; one submission).

Conditions:
MHC class I deficiency. Identifiers: Orphanet 34592, MedGen C6024714, MONDO:0011476.

gnomAD v4.1: 1 of 1,612,948 alleles (0.000062%); highest among the groups gnomAD compares: Non-Finnish European, 0.000085%; no homozygotes.

Submission:

Labcorp Genetics (formerly Invitae), Labcorp
Classification: Uncertain significance for MHC class I deficiency 1. Last evaluated: 2021-04-23. Review status: criteria provided, single submitter. Criteria: Invitae Variant Classification Sherloc (09022015). Collection method: clinical testing. Allele origin: germline.
Comment: Algorithms developed to predict the effect of missense changes on protein structure and function are either unavailable or do not agree on the potential impact of this missense change (SIFT: "Deleterious"; PolyPhen-2: "Probably Damaging"; Align-GVGD: "Class C0"). In summary, the available evidence is currently insufficient to determine the role of this variant in disease. Therefore, it has been classified as a Variant of Uncertain Significance. This variant has not been reported in the literature in individuals with TAP1-related conditions. This sequence change replaces glycine with tryptophan at codon 378 of the TAP1 protein (p.Gly378Trp). The glycine residue is moderately conserved and there is a large physicochemical difference between glycine and tryptophan. This variant is not present in population databases (ExAC no frequency).